The following is an entry in ClinVar:

NM_000540.3(RYR1):c.10321A>G (p.Ile3441Val)

Gene: RYR1 (ryanodine receptor 1; plus strand). Cytogenetic location: 19q13.2.
Variant type: single nucleotide variant.
Coding change: c.10321A>G on transcript NM_000540.3 (MANE Select); coding-DNA position 10321, A replaced by G.
Protein change: p.Ile3441Val; replaces isoleucine 3441 with valine.
Molecular consequence: missense variant.
Genome position (GRCh38, 1-based): chr19:38,523,089, A>G. VCF-style: chr19-38523089-A-G. GRCh37 (hg19) VCF-style: chr19-39013729-A-G.
Other names: c.10321A>G, p.Ile3441Val (NM_001042723.2); short protein forms I3441V.
Identifiers: ClinVar variation 5017382 (VCV005017382.1).
Genomic context (GRCh38, chr19:38,523,089, plus strand): 5'-GCGCAGTGGCTGACGGAGCCGAATCCCAGCGCGGAGGAGCTGTTCAGGATGGTGGGCGAG[A>G]TCTTCATCTACTGGTCCAAGTCCCACGTGAGTGCCCACCCCAACCGCCCTCCCCACAACC-3'
Protein context (NP_000531.2, residues 3431-3451): AEELFRMVGE[Ile3441Val]FIYWSKSHNF

ClinVar aggregate classification (germline): Uncertain significance (1 of 4 stars; one submission).

gnomAD v4.1: 2 of 1,612,554 alleles (0.00012%); highest among the groups gnomAD compares: African/African-American, 0.0027%; no homozygotes.

Submission:

GeneDx
Classification: Uncertain significance. Last evaluated: 2026-03-24. Review status: criteria provided, single submitter. Criteria: GeneDx Variant Classification Process June 2021. Collection method: clinical testing. Allele origin: germline.
Comment: Not observed at significant frequency in large population cohorts (gnomAD); In silico analysis suggests that this missense variant does not alter protein structure/function; Has not been previously published as pathogenic or benign to our knowledge